The following is an entry in ClinVar:

NM_002880.4(RAF1):c.399T>C (p.His133=)

Gene: RAF1 (Raf-1 proto-oncogene, serine/threonine kinase; minus strand). Cytogenetic location: 3p25.2.
Variant type: single nucleotide variant.
Coding change: c.399T>C on transcript NM_002880.4 (MANE Select); coding-DNA position 399, T replaced by C.
Protein change: p.His133=; no amino-acid change (histidine 133 retained).
Molecular consequence: synonymous variant. On other transcripts: non-coding transcript variant (3).
Genome position (GRCh38, 1-based): chr3:12,609,257, A>G on the plus strand (T>C on the coding strand, the complement: RAF1 is on the minus strand). VCF-style: chr3-12609257-A-G. GRCh37 (hg19) VCF-style: chr3-12650756-A-G.
Other names: c.399T>C, p.His133= (NM_001354689.3, NM_001354690.3, NM_001354693.3); c.156T>C, p.His52= (NM_001354691.3, NM_001354692.3, NM_001354694.3 and 1 more transcripts).
Identifiers: ClinVar variation 561882 (VCV000561882.4), dbSNP rs747303896, ClinGen allele CA2259773.

ClinVar aggregate classification (germline): Likely benign. Review status: criteria provided, multiple submitters, no conflicts (2 of 4 stars). 3 submissions from 3 submitters: Likely benign (3). Last evaluated 2026-09-21.

Conditions:
RASopathy. Also called: rasopathies; Noonan spectrum disorder. Identifiers: Orphanet 536391, MedGen C5555857, MONDO:0021060.

Allele frequency attached by ClinVar (database versions not stated): gnomAD exomes 0.00001 and below 0.00001; ExAC 0.00002.
gnomAD v4.1: 16 of 1,612,372 alleles (0.00099%); highest among the groups gnomAD compares: Non-Finnish European, 0.0013%; no homozygotes.

Submissions (3):

Molecular Diagnostic Laboratory for Inherited Cardiovascular Disease, Montreal Heart Institute
Classification: Likely benign. Last evaluated: 2026-09-21. Review status: criteria provided, single submitter. Criteria: ACMG Guidelines, 2015. Collection method: clinical testing. Allele origin: germline. Affected: no.
Comment: BP7

Labcorp Genetics (formerly Invitae), Labcorp
Classification: Likely benign for RASopathy. Last evaluated: 2024-10-07. Review status: criteria provided, single submitter. Criteria: Invitae Variant Classification Sherloc (09022015). Collection method: clinical testing. Allele origin: germline.

GeneDx
Classification: Likely benign. Last evaluated: 2018-06-04. Review status: criteria provided, single submitter. Criteria: GeneDx Variant Classification (06012015). Collection method: clinical testing. Allele origin: germline. Affected: yes.
Comment: This variant is considered likely benign or benign based on one or more of the following criteria: it is a conservative change, it occurs at a poorly conserved position in the protein, it is predicted to be benign by multiple in silico algorithms, and/or has population frequency not consistent with disease.